The following is an entry in ClinVar:

NM_021625.5(TRPV4):c.656G>A (p.Arg219His)

Gene: TRPV4 (transient receptor potential cation channel subfamily V member 4; minus strand). Cytogenetic location: 12q24.11.
Variant type: single nucleotide variant.
Coding change: c.656G>A on transcript NM_021625.5 (MANE Select); coding-DNA position 656, G replaced by A.
Protein change: p.Arg219His; replaces arginine 219 with histidine.
Molecular consequence: missense variant.
Genome position (GRCh38, 1-based): chr12:109,803,047, C>T on the plus strand (G>A on the coding strand, the complement: TRPV4 is on the minus strand). VCF-style: chr12-109803047-C-T. GRCh37 (hg19) VCF-style: chr12-110240852-C-T.
Other names: c.656G>A, p.Arg219His (NM_001177428.2, NM_001177433.2, NM_147204.3); c.554G>A, p.Arg185His (NM_001177431.2); short protein forms R219H, R185H.
Identifiers: ClinVar variation 469044 (VCV000469044.3), dbSNP rs767331924, ClinGen allele CA6780481.

ClinVar aggregate classification (germline): Uncertain significance (1 of 4 stars; one submission).

Conditions:
Charcot-Marie-Tooth disease axonal type 2C (HMSN2C). Also called: CHARCOT-MARIE-TOOTH DISEASE, AXONAL, AUTOSOMAL DOMINANT, TYPE 2C; Charcot-Marie-Tooth Neuropathy Type 2C; Charcot-Marie-Tooth Disease Type 2, TRPV4-Related (CMT2C). Identifiers: Orphanet 99937, MedGen C1853710, MONDO:0011633, OMIM 606071.

Allele frequency attached by ClinVar (database versions not stated): gnomAD exomes 0.00001 and below 0.00001; gnomAD 0.00004; TOPMed 0.00006; 1000 Genomes Project 30x 0.00016; ExAC 0.00001.
gnomAD v4.1: 13 of 1,614,152 alleles (0.00081%); highest among the groups gnomAD compares: African/African-American, 0.011%; no homozygotes.

Submission:

Labcorp Genetics (formerly Invitae), Labcorp
Classification: Uncertain significance for Charcot-Marie-Tooth disease axonal type 2C. Last evaluated: 2022-12-24. Review status: criteria provided, single submitter. Criteria: Invitae Variant Classification Sherloc (09022015). Collection method: clinical testing. Allele origin: germline.
Comment: In summary, the available evidence is currently insufficient to determine the role of this variant in disease. Therefore, it has been classified as a Variant of Uncertain Significance. Advanced modeling of protein sequence and biophysical properties (such as structural, functional, and spatial information, amino acid conservation, physicochemical variation, residue mobility, and thermodynamic stability) performed at Invitae indicates that this missense variant is not expected to disrupt TRPV4 protein function. ClinVar contains an entry for this variant (Variation ID: 469044). This variant has not been reported in the literature in individuals affected with TRPV4-related conditions. The frequency data for this variant in the population databases is considered unreliable, as metrics indicate poor data quality at this position in the gnomAD database. This sequence change replaces arginine, which is basic and polar, with histidine, which is basic and polar, at codon 219 of the TRPV4 protein (p.Arg219His).